The following is an entry in ClinVar:

ClinVar aggregate classification (germline): Pathogenic (1 of 4 stars; one submission).

Submission:

Labcorp Genetics (formerly Invitae), Labcorp
Classification: Pathogenic. Last evaluated: 2024-10-15. Review status: criteria provided, single submitter. Criteria: Invitae Variant Classification Sherloc (09022015). Collection method: clinical testing. Allele origin: germline.
Comment: This sequence change creates a premature translational stop signal (p.Phe217Serfs*65) in the COQ8A gene. It is expected to result in an absent or disrupted protein product. Loss-of-function variants in COQ8A are known to be pathogenic (PMID: 18319074, 20580948). This variant is not present in population databases (gnomAD no frequency). This variant has not been reported in the literature in individuals affected with COQ8A-related conditions. For these reasons, this variant has been classified as Pathogenic.

Literature cited by the submitters: PubMed 18319074; PubMed 20580948.

NM_020247.5(COQ8A):c.650del (p.Phe217fs)

Gene: COQ8A (coenzyme Q8A; plus strand). Cytogenetic location: 1q42.13.
Variant type: Deletion.
Coding change: c.650del on transcript NM_020247.5 (MANE Select); coding-DNA position 650, one base deleted (T; older notation c.650delT).
Protein change: p.Phe217fs; shifts the reading frame from phenylalanine 217.
Molecular consequence: frameshift variant.
Genome position (GRCh38, 1-based): chr1:226,965,732, T deleted; the last of 2 consecutive T bases (chr1:226,965,731-226,965,732); deleting either gives the same sequence. VCF-style (leftmost placement, unchanged base first): chr1-226965730-CT-C. GRCh37 (hg19) VCF-style: chr1-227153431-CT-C.
Other names: short protein forms F217fs.
Identifiers: ClinVar variation 2760714 (VCV002760714.3), dbSNP rs2528255279, ClinGen allele CA2650791133.